The following continues an entry in ClinVar:

NM_003002.4(SDHD):c.204C>T (p.Ser68=)

Gene: SDHD. ClinVar aggregate classification (germline): Benign/Likely benign. Benign (18); Likely benign (2).

Submissions 26 to 36 of 36:

Dr. Peter K. Rogan Lab, Western University
No classification provided (evidence only). Condition: Sarcoma. Review status: no classification provided. Collection method: in vitro. Allele origin: not applicable. Functional consequence: retained intron. Not counted in ClinVar's aggregate classification.

Dr. Peter K. Rogan Lab, Western University
No classification provided (evidence only). Condition: Hepatocellular carcinoma. Review status: no classification provided. Collection method: in vitro. Allele origin: not applicable. Functional consequence: retained intron. Not counted in ClinVar's aggregate classification.

Dr. Peter K. Rogan Lab, Western University
No classification provided (evidence only). Condition: Hepatocellular carcinoma. Review status: no classification provided. Collection method: in vitro. Allele origin: not applicable. Functional consequence: retained intron. Not counted in ClinVar's aggregate classification.

Dr. Peter K. Rogan Lab, Western University
No classification provided (evidence only). Condition: Cholangiocarcinoma. Review status: no classification provided. Collection method: in vitro. Allele origin: not applicable. Functional consequence: retained intron. Not counted in ClinVar's aggregate classification.

Dr. Peter K. Rogan Lab, Western University
No classification provided (evidence only). Condition: Cholangiocarcinoma. Review status: no classification provided. Collection method: in vitro. Allele origin: not applicable. Functional consequence: retained intron. Not counted in ClinVar's aggregate classification.

Dr. Peter K. Rogan Lab, Western University
No classification provided (evidence only). Condition: Malignant tumor of esophagus. Review status: no classification provided. Collection method: in vitro. Allele origin: not applicable. Functional consequence: retained intron. Not counted in ClinVar's aggregate classification.

Dr. Peter K. Rogan Lab, Western University
No classification provided (evidence only). Condition: Malignant tumor of esophagus. Review status: no classification provided. Collection method: in vitro. Allele origin: not applicable. Functional consequence: retained intron. Not counted in ClinVar's aggregate classification.

Genetic Services Laboratory, University of Chicago
Classification: Likely benign. Review status: no assertion criteria provided. Collection method: clinical testing. Allele origin: germline. Inheritance: Autosomal dominant inheritance. Not counted in ClinVar's aggregate classification.
Comment: Likely benign based on allele frequency in 1000 Genomes Project or ESP global frequency and its presence in a patient with a rare or unrelated disease phenotype. NOT Sanger confirmed

Genome Diagnostics Laboratory, University Medical Center Utrecht
Classification: Benign. Review status: no assertion criteria provided. Collection method: clinical testing. Allele origin: germline. Affected: yes. Study: VKGL Data-share Consensus. Not counted in ClinVar's aggregate classification.

Joint Genome Diagnostic Labs from Nijmegen and Maastricht, Radboudumc and MUMC+
Classification: Benign. Review status: no assertion criteria provided. Collection method: clinical testing. Allele origin: germline. Affected: yes. Study: VKGL Data-share Consensus. Not counted in ClinVar's aggregate classification.

Laboratory of Diagnostic Genome Analysis, Leiden University Medical Center (LUMC)
Classification: Benign. Review status: no assertion criteria provided. Collection method: clinical testing. Allele origin: germline. Affected: yes. Study: VKGL Data-share Consensus. Not counted in ClinVar's aggregate classification.